The following is an entry in ClinVar:

ClinVar aggregate classification (germline): Uncertain significance (1 of 4 stars; one submission).

Conditions:
Joubert syndrome 21 (JBTS21). Identifiers: MedGen C3810212, MONDO:0014288, OMIM 615636.

Allele frequency attached by ClinVar (database versions not stated): gnomAD exomes 0.00001.
gnomAD v4.1: 8 of 1,613,478 alleles (0.0005%); highest among the groups gnomAD compares: Non-Finnish European, 0.00068%; no homozygotes.

Submission:

Labcorp Genetics (formerly Invitae), Labcorp
Classification: Uncertain significance for Joubert syndrome 21. Last evaluated: 2022-07-12. Review status: criteria provided, single submitter. Criteria: Invitae Variant Classification Sherloc (09022015). Collection method: clinical testing. Allele origin: germline.
Comment: This sequence change replaces arginine, which is basic and polar, with lysine, which is basic and polar, at codon 891 of the CSPP1 protein (p.Arg891Lys). This variant is present in population databases (no rsID available, gnomAD 0.002%). In summary, the available evidence is currently insufficient to determine the role of this variant in disease. Therefore, it has been classified as a Variant of Uncertain Significance. Algorithms developed to predict the effect of missense changes on protein structure and function (SIFT, PolyPhen-2, Align-GVGD) all suggest that this variant is likely to be tolerated. This variant has not been reported in the literature in individuals affected with CSPP1-related conditions.

NM_001382391.1(CSPP1):c.2687G>A (p.Arg896Lys)

Gene: CSPP1 (centrosome and spindle pole associated protein 1; plus strand). Cytogenetic location: 8q13.2.
Variant type: single nucleotide variant.
Coding change: c.2687G>A on transcript NM_001382391.1 (MANE Select); coding-DNA position 2687, G replaced by A.
Protein change: p.Arg896Lys; replaces arginine 896 with lysine.
Molecular consequence: missense variant.
Genome position (GRCh38, 1-based): chr8:67,163,775, G>A. VCF-style: chr8-67163775-G-A. GRCh37 (hg19) VCF-style: chr8-68076010-G-A.
Other names: c.1637G>A, p.Arg546Lys (NM_001291339.2); c.2606G>A, p.Arg869Lys (NM_001363131.2); c.2492G>A, p.Arg831Lys (NM_001363132.2); c.2411G>A, p.Arg804Lys (NM_001363133.2); c.2753G>A, p.Arg918Lys (NM_001364869.1); c.2573G>A, p.Arg858Lys (NM_001364870.1); c.2672G>A, p.Arg891Lys (NM_024790.7); short protein forms R831K, R804K, R546K, R858K, R891K, R869K, R896K, R918K.
Identifiers: ClinVar variation 2054580 (VCV002054580.4), dbSNP rs1222933749, ClinGen allele CA371192838.
Genomic context (GRCh38, chr8:67,163,775, plus strand): 5'-TCATTATTGTTGAACAGGAAAGTTCCATGTCCAGGGCACAGTCACCCCCGGTACCTGCCA[G>A]GAAAAATCAGCTCCGTGCAGAAGGTAGAGTTAACTACTAAACCTGTTACCTAGAGTATTT-3'
Protein context (NP_001369320.1, residues 886-906): SRAQSPPVPA[Arg896Lys]KNQLRAEEEK